The following is an entry in ClinVar:

NM_003072.5(SMARCA4):c.1245G>C (p.Gln415His)

Gene: SMARCA4 (SWI/SNF related BAF chromatin remodeling complex subunit ATPase 4; plus strand). Cytogenetic location: 19p13.2.
Variant type: single nucleotide variant.
Coding change: c.1245G>C on transcript NM_003072.5 (MANE Select); coding-DNA position 1245, G replaced by C.
Protein change: p.Gln415His; replaces glutamine 415 with histidine.
Molecular consequence: missense variant. On other transcripts: non-coding transcript variant (1).
Genome position (GRCh38, 1-based): chr19:10,989,443, G>C. VCF-style: chr19-10989443-G-C. GRCh37 (hg19) VCF-style: chr19-11100119-G-C.
Other names: c.1245G>C, p.Gln415His (NM_001128844.3, NM_001128845.2, NM_001128846.2 and 6 more transcripts); short protein forms Q415H.
Identifiers: ClinVar variation 2818833 (VCV002818833.3), dbSNP rs2145850376, ClinGen allele CA404059830.

ClinVar aggregate classification (germline): Uncertain significance (1 of 4 stars; one submission).

Conditions:
Rhabdoid tumor predisposition syndrome 2 (RTPS2). Identifiers: Orphanet 231108, Orphanet 69077, MedGen C2750074, MONDO:0013224, OMIM 613325.

Submission:

Labcorp Genetics (formerly Invitae), Labcorp
Classification: Uncertain significance for Rhabdoid tumor predisposition syndrome 2. Last evaluated: 2022-12-05. Review status: criteria provided, single submitter. Criteria: Invitae Variant Classification Sherloc (09022015). Collection method: clinical testing. Allele origin: germline.
Comment: In summary, the available evidence is currently insufficient to determine the role of this variant in disease. Therefore, it has been classified as a Variant of Uncertain Significance. Variants that disrupt the consensus splice site are a relatively common cause of aberrant splicing (PMID: 17576681, 9536098). Algorithms developed to predict the effect of sequence changes on RNA splicing suggest that this variant may disrupt the consensus splice site. Algorithms developed to predict the effect of missense changes on protein structure and function are either unavailable or do not agree on the potential impact of this missense change (SIFT: "Deleterious"; PolyPhen-2: "Benign"; Align-GVGD: "Class C0"). This variant has not been reported in the literature in individuals affected with SMARCA4-related conditions. This variant is not present in population databases (gnomAD no frequency). This sequence change replaces glutamine, which is neutral and polar, with histidine, which is basic and polar, at codon 415 of the SMARCA4 protein (p.Gln415His). This variant also falls at the last nucleotide of exon 7, which is part of the consensus splice site for this exon.

Literature cited by the submitters: PubMed 17576681; PubMed 9536098.